The following is an entry in ClinVar:

NM_001235.5(SERPINH1):c.655G>A (p.Val219Met)

Gene: SERPINH1 (serpin family H member 1; plus strand). Cytogenetic location: 11q13.5.
Variant type: single nucleotide variant.
Coding change: c.655G>A on transcript NM_001235.5 (MANE Select); coding-DNA position 655, G replaced by A.
Protein change: p.Val219Met; replaces valine 219 with methionine.
Molecular consequence: missense variant.
Genome position (GRCh38, 1-based): chr11:75,568,763, G>A. VCF-style: chr11-75568763-G-A. GRCh37 (hg19) VCF-style: chr11-75279808-G-A.
Other names: c.655G>A, p.Val219Met (NM_001207014.3); short protein forms V219M.
Identifiers: ClinVar variation 1317348 (VCV001317348.7), dbSNP rs1387383541, ClinGen allele CA381891160.

ClinVar aggregate classification (germline): Uncertain significance. Review status: criteria provided, multiple submitters, no conflicts (2 of 4 stars). 2 submissions from 2 submitters: Uncertain significance (2). Last evaluated 2025-05-15.

Allele frequency attached by ClinVar (database versions not stated): gnomAD exomes below 0.00001; TOPMed below 0.00001.
gnomAD v4.1: 4 of 1,613,696 alleles (0.00025%); highest among the groups gnomAD compares: South Asian, 0.0033%; no homozygotes.

Submissions (2):

GeneDx
Classification: Uncertain significance. Last evaluated: 2025-05-15. Review status: criteria provided, single submitter. Criteria: GeneDx Variant Classification Process June 2021. Collection method: clinical testing. Allele origin: germline. Affected: yes.
Comment: Not observed at significant frequency in large population cohorts (gnomAD); In silico analysis suggests that this missense variant does not alter protein structure/function; Has not been previously published as pathogenic or benign to our knowledge; This variant is associated with the following publications: (PMID: 30986427, 33452237)

Labcorp Genetics (formerly Invitae), Labcorp
Classification: Uncertain significance. Last evaluated: 2022-03-20. Review status: criteria provided, single submitter. Criteria: Invitae Variant Classification Sherloc (09022015). Collection method: clinical testing. Allele origin: germline.
Comment: In summary, the available evidence is currently insufficient to determine the role of this variant in disease. Therefore, it has been classified as a Variant of Uncertain Significance. Algorithms developed to predict the effect of missense changes on protein structure and function are either unavailable or do not agree on the potential impact of this missense change (SIFT: "Deleterious"; PolyPhen-2: "Probably Damaging"; Align-GVGD: "Class C15"). ClinVar contains an entry for this variant (Variation ID: 1317348). This missense change has been observed in individual(s) with SERPINH1-related conditions (PMID: 33452237). This variant is present in population databases (no rsID available, gnomAD 0.003%). This sequence change replaces valine, which is neutral and non-polar, with methionine, which is neutral and non-polar, at codon 219 of the SERPINH1 protein (p.Val219Met).

Literature cited by the submitters: PubMed 33452237 (cited by Labcorp Genetics (formerly Invitae), Labcorp).